The following is an entry in ClinVar:

NM_000170.3(GLDC):c.2186del (p.Ala729fs)

Gene: GLDC (glycine decarboxylase; minus strand). Cytogenetic location: 9p24.1.
Variant type: Deletion.
Coding change: c.2186del on transcript NM_000170.3 (MANE Select); coding-DNA position 2186, one base deleted (C; older notation c.2186delC).
Protein change: p.Ala729fs; shifts the reading frame from alanine 729.
Molecular consequence: frameshift variant.
Genome position (GRCh38, 1-based): chr9:6,556,169, G deleted on the plus strand (C on the coding strand, the reverse complement: GLDC is on the minus strand). VCF-style (leftmost placement, unchanged base first): chr9-6556168-TG-T. GRCh37 (hg19) VCF-style: chr9-6556168-TG-T.
Other names: c.2186delC (NM_000170.2); short protein forms A729fs.
Identifiers: ClinVar variation 56062 (VCV000056062.12), dbSNP rs386833543, ClinGen allele CA263341.

ClinVar aggregate classification (germline): Pathogenic. Review status: criteria provided, multiple submitters, no conflicts (2 of 4 stars). 5 submissions from 5 submitters: Pathogenic (3). 2 of the submissions do not count toward it. Last evaluated 2026-02-02.

Conditions:
Glycine encephalopathy 1 (GCE1). Identifiers: MedGen CN376801, MONDO:0958179, OMIM 605899.
Glycine encephalopathy. Also called: Nonketotic hyperglycinemia; Non-ketotic hyperglycinemia. Identifiers: Orphanet 407, MedGen C0751748, MONDO:0011612, HP:0008288.

Allele frequency attached by ClinVar (database versions not stated): TOPMed below 0.00001; gnomAD 0.00001.

Submissions (5):

Clinical Genomics Laboratory, Washington University in St. Louis
Classification: Pathogenic for Glycine encephalopathy 1. Last evaluated: 2026-02-02. Review status: criteria provided, single submitter. Criteria: ACMG Guidelines, 2015. Collection method: clinical testing. Allele origin: germline. Affected: yes.
Comment: The GLDC c.2186del (p.Ala729Glufs*3) variant has been reported in at least five individuals; two individuals were homozygous for the variant and three individuals were compound heterozygous for the variant and a pathogenic, likely pathogenic, and variant of uncertain significance confirmed in trans (Conter C et al., PMID: 16601880; Coughlin CR et al., PMID: 27362913; Swanson MA et al., PMID: 26179960). This variant causes a frameshift by deleting a single nucleotide, leading to a premature termination codon, which is predicted to lead to nonsense mediated decay. This variant is only observed in 1/1,612,968 alleles in the general population (gnomAD v4.1.0), indicating it is not a common variant. This variant has been reported in the ClinVar database as a germline pathogenic variant by two submitters. Based on available information and the ACMG/AMP guidelines for variant interpretation (Richards S et al., PMID: 25741868), this variant is classified as pathogenic.

Labcorp Genetics (formerly Invitae), Labcorp
Classification: Pathogenic for Glycine encephalopathy. Last evaluated: 2025-06-16. Review status: criteria provided, single submitter. Criteria: Invitae Variant Classification Sherloc (09022015). Collection method: clinical testing. Allele origin: germline.
Comment: This sequence change creates a premature translational stop signal (p.Ala729Glufs*3) in the GLDC gene. It is expected to result in an absent or disrupted protein product. Loss-of-function variants in GLDC are known to be pathogenic (PMID: 16601880). This variant is not present in population databases (gnomAD no frequency). This premature translational stop signal has been observed in individual(s) with glycine encephalopathy (PMID: 16601880). In at least one individual the data is consistent with being in trans (on the opposite chromosome) from a pathogenic variant. ClinVar contains an entry for this variant (Variation ID: 56062). Algorithms developed to predict the effect of sequence changes on RNA splicing suggest that this variant may disrupt the consensus splice site. For these reasons, this variant has been classified as Pathogenic.

Women's Health and Genetics/Laboratory Corporation of America, LabCorp
Classification: Pathogenic for Glycine encephalopathy. Last evaluated: 2021-03-08. Review status: criteria provided, single submitter. Criteria: LabCorp Variant Classification Summary - May 2015. Collection method: clinical testing. Allele origin: germline.
Comment: Variant summary: GLDC c.2186delC (p.Ala729GlufsX3) results in a premature termination codon, predicted to cause a truncation of the encoded protein or absence of the protein due to nonsense mediated decay, which are commonly known mechanisms for disease. Truncations downstream of this position have been classified as pathogenic by our laboratory. The variant was absent in 251416 control chromosomes in gnomAD v2.1.1. However, the variant allele was found at a frequency of 0.001096 in 912 control chromosomes within the Amish subpopulation in the newer gnomAD v3.1. c.2186delC has been reported in the literature in individuals affected with Glycine Encephalopathy (Non-Ketotic Hyperglycinemia) (e.g. Conter_2006, Swanson_2015, Coughlin_2017) and is included as a pathogenic variant in targeted testing panels for Amish communities (e.g. Crowgey_2019, Clinic for Special Children). Two ClinVar submitters (evaluation after 2014) cite the variant as pathogenic. Based on the evidence outlined above, the variant was classified as pathogenic.

Natera, Inc.
Classification: Pathogenic for Non-ketotic hyperglycinemia. Last evaluated: 2020-09-16. Review status: no assertion criteria provided. Collection method: clinical testing. Allele origin: germline. Not counted in ClinVar's aggregate classification.

Juha Muilu Group; Institute for Molecular Medicine Finland (FIMM)
Classification: Likely pathogenic for Non-ketotic hyperglycinemia. Review status: no assertion criteria provided. Collection method: not provided. Allele origin: unknown. Not counted in ClinVar's aggregate classification.
Comment: FinDis database variant: This variant was not found or characterized by our laboratory, data were collected from public sources: see reference
ClinVar note: Converted during submission from probable-pathogenic to Likely pathogenic.

Literature cited by the submitters: PubMed 16601880 (cited by Labcorp Genetics (formerly Invitae), Labcorp and Women's Health and Genetics/Laboratory Corporation of America, LabCorp); PubMed 26179960 (cited by Women's Health and Genetics/Laboratory Corporation of America, LabCorp); PubMed 27362913 (cited by Women's Health and Genetics/Laboratory Corporation of America, LabCorp); PubMed 31028937 (cited by Women's Health and Genetics/Laboratory Corporation of America, LabCorp).